The following is an entry in ClinVar:

NM_058004.4(PI4KA):c.4371C>G (p.Pro1457=)

Gene: PI4KA (phosphatidylinositol 4-kinase alpha; minus strand). Cytogenetic location: 22q11.21.
Variant type: single nucleotide variant.
Coding change: c.4371C>G on transcript NM_058004.4 (MANE Select); coding-DNA position 4371, C replaced by G.
Protein change: p.Pro1457=; no amino-acid change (proline 1457 retained).
Molecular consequence: synonymous variant.
Genome position (GRCh38, 1-based): chr22:20,729,929, G>C on the plus strand (C>G on the coding strand, the complement: PI4KA is on the minus strand). VCF-style: chr22-20729929-G-C. GRCh37 (hg19) VCF-style: chr22-21084217-G-C.
Other names: c.4278C>G, p.Pro1426= (NM_001362862.2); c.4305C>G, p.Pro1435= (NM_001362863.2).
Identifiers: ClinVar variation 2652913 (VCV002652913.24), dbSNP rs377578674, ClinGen allele CA10115094.

ClinVar aggregate classification (germline): Likely benign (1 of 4 stars; one submission).

Allele frequency attached by ClinVar (database versions not stated): ExAC 0.00007; gnomAD 0.00013; 1000 Genomes Project 30x 0.00016; 1000 Genomes Project 0.00020; ESP Exome Variant Server 0.00023.
gnomAD v4.1: 50 of 1,614,186 alleles (0.0031%); highest among the groups gnomAD compares: African/African-American, 0.048%; no homozygotes.

Submission:

CeGaT Center for Human Genetics Tuebingen
Classification: Likely benign. Last evaluated: 2022-10-01. Review status: criteria provided, single submitter. Criteria: CeGaT Center For Human Genetics Tuebingen Variant Classification Criteria Version 2. Collection method: clinical testing. Allele origin: germline. Affected: yes. Observed: 1 variant allele.
Comment: PI4KA: BP4, BP7